The following is an entry in ClinVar:

ClinVar aggregate classification (germline): Uncertain significance (1 of 4 stars; one submission).

gnomAD v4.1: 3 of 1,613,394 alleles (0.00019%); highest among the groups gnomAD compares: Non-Finnish European, 0.00025%; no homozygotes.

Submission:

GeneDx
Classification: Uncertain significance. Last evaluated: 2023-06-07. Review status: criteria provided, single submitter. Criteria: GeneDx Variant Classification Process June 2021. Collection method: clinical testing. Allele origin: germline. Affected: yes.
Comment: Not observed at significant frequency in large population cohorts (gnomAD); In silico analysis supports that this missense variant does not alter protein structure/function; Has not been previously published as pathogenic or benign to our knowledge

NM_001303052.2(MYT1L):c.2333A>G (p.Asn778Ser)

Gene: MYT1L (myelin transcription factor 1 like; minus strand). Cytogenetic location: 2p25.3.
Variant type: single nucleotide variant.
Coding change: c.2333A>G on transcript NM_001303052.2 (MANE Select); coding-DNA position 2333, A replaced by G.
Protein change: p.Asn778Ser; replaces asparagine 778 with serine.
Molecular consequence: missense variant.
Genome position (GRCh38, 1-based): chr2:1,889,428, T>C on the plus strand (A>G on the coding strand, the complement: MYT1L is on the minus strand). VCF-style: chr2-1889428-T-C. GRCh37 (hg19) VCF-style: chr2-1893200-T-C.
Other names: c.2333A>G, p.Asn778Ser (NM_001329844.2, NM_001329845.1, NM_001329851.3); c.2327A>G, p.Asn776Ser (NM_001329846.3, NM_001329847.2, NM_001329848.1 and 3 more transcripts); short protein forms N776S, N778S.
Identifiers: ClinVar variation 3359654 (VCV003359654.1).